The following is an entry in ClinVar:

ClinVar aggregate classification (germline): Uncertain significance (1 of 4 stars; one submission).

Conditions:
Psoriasis 2. Identifiers: MedGen C1864497, MONDO:0011269, OMIM 602723.
Pityriasis rubra pilaris (PRP). Also called: Pityriasis rubra pilaris--familial type. Identifiers: Orphanet 2897, MedGen C0032027, MONDO:0100017, OMIM 173200, MONDO:0008251.

Allele frequency attached by ClinVar (database versions not stated): gnomAD exomes below 0.00001; ExAC 0.00001; gnomAD 0.00001; TOPMed 0.00002.
gnomAD v4.1: 5 of 1,613,598 alleles (0.00031%); highest among the groups gnomAD compares: Middle Eastern, 0.016%; no homozygotes.

Submission:

Labcorp Genetics (formerly Invitae), Labcorp
Classification: Uncertain significance for Pityriasis rubra pilaris; Psoriasis 2. Last evaluated: 2023-05-29. Review status: criteria provided, single submitter. Criteria: Invitae Variant Classification Sherloc (09022015). Collection method: clinical testing. Allele origin: germline.
Comment: Experimental studies are conflicting or provide insufficient evidence to determine the effect of this variant on CARD14 function (PMID: 26358359). In summary, the available evidence is currently insufficient to determine the role of this variant in disease. Therefore, it has been classified as a Variant of Uncertain Significance. Advanced modeling of protein sequence and biophysical properties (such as structural, functional, and spatial information, amino acid conservation, physicochemical variation, residue mobility, and thermodynamic stability) performed at Invitae indicates that this missense variant is not expected to disrupt CARD14 protein function. This missense change has been observed in individual(s) with psoriasis (PMID: 26358359). This variant is present in population databases (rs762364495, gnomAD 0.002%). This sequence change replaces threonine, which is neutral and polar, with alanine, which is neutral and non-polar, at codon 420 of the CARD14 protein (p.Thr420Ala).

Literature cited by the submitters: PubMed 26358359.

NM_001366385.1(CARD14):c.1258A>G (p.Thr420Ala)

Gene: CARD14 (caspase recruitment domain family member 14; plus strand). Cytogenetic location: 17q25.3.
Variant type: single nucleotide variant.
Coding change: c.1258A>G on transcript NM_001366385.1 (MANE Select); coding-DNA position 1258, A replaced by G.
Protein change: p.Thr420Ala; replaces threonine 420 with alanine.
Molecular consequence: missense variant. On other transcripts: non-coding transcript variant (1).
Genome position (GRCh38, 1-based): chr17:80,192,521, A>G. VCF-style: chr17-80192521-A-G. GRCh37 (hg19) VCF-style: chr17-78166320-A-G.
Other names: c.1258A>G, p.Thr420Ala (NM_001257970.1, NM_024110.4); c.547A>G, p.Thr183Ala (NM_052819.3); short protein forms T420A, T183A.
Identifiers: ClinVar variation 2925627 (VCV002925627.3), dbSNP rs762364495, ClinGen allele CA8816737.